The following is an entry in ClinVar:

ClinVar aggregate classification (germline): Conflicting classifications of pathogenicity. Review status: criteria provided, conflicting classifications (1 of 4 stars). 2 submissions from 2 submitters: Uncertain significance (1); Likely benign (1). Last evaluated 2025-11-12.

Conditions:
ALG1-congenital disorder of glycosylation. Also called: CONGENITAL DISORDER OF GLYCOSYLATION, TYPE Ik; ALG1-CDG; CDG Ik. Identifiers: Orphanet 79327, MedGen C2931005, MONDO:0012052, OMIM 608540.

Allele frequency attached by ClinVar (database versions not stated): gnomAD exomes 0.00003 and 0.00011; gnomAD 0.00005; TOPMed 0.00005; ExAC 0.00010.
gnomAD v4.1: 45 of 1,614,038 alleles (0.0028%); highest among the groups gnomAD compares: Admixed American, 0.055%; no homozygotes.

Submissions (2):

Labcorp Genetics (formerly Invitae), Labcorp
Classification: Likely benign for ALG1-congenital disorder of glycosylation. Last evaluated: 2025-11-12. Review status: criteria provided, single submitter. Criteria: Invitae Variant Classification Sherloc (09022015). Collection method: clinical testing. Allele origin: germline.

GeneDx
Classification: Uncertain significance. Last evaluated: 2024-09-27. Review status: criteria provided, single submitter. Criteria: GeneDx Variant Classification Process June 2021. Collection method: clinical testing. Allele origin: germline. Affected: yes.
Comment: Has not been previously published as pathogenic or benign to our knowledge; In silico analysis is inconclusive as to whether the variant alters gene splicing. In the absence of RNA/functional studies, the actual effect of this sequence change is unknown.

NM_019109.5(ALG1):c.522C>T (p.Leu174=)

Gene: ALG1 (ALG1 chitobiosyldiphosphodolichol beta-mannosyltransferase; plus strand). Cytogenetic location: 16p13.3.
Variant type: single nucleotide variant.
Coding change: c.522C>T on transcript NM_019109.5 (MANE Select); coding-DNA position 522, C replaced by T.
Protein change: p.Leu174=; no amino-acid change (leucine 174 retained).
Molecular consequence: synonymous variant.
Genome position (GRCh38, 1-based): chr16:5,075,519, C>T. VCF-style: chr16-5075519-C-T. GRCh37 (hg19) VCF-style: chr16-5125520-C-T.
Other names: c.189C>T, p.Leu63= (NM_001330504.2).
Identifiers: ClinVar variation 786786 (VCV000786786.10), dbSNP rs776753482, ClinGen allele CA7889853.